The following is an entry in ClinVar:

ClinVar aggregate classification (germline): Pathogenic (1 of 4 stars; one submission).

Conditions:
Progressive muscular dystrophy. Identifiers: Orphanet 206644, MedGen C4551827, MONDO:0016106.

Submission:

Victorian Clinical Genetics Services, Murdoch Childrens Research Institute
Classification: Pathogenic for Progressive muscular dystrophy. Last evaluated: 2025-08-01. Review status: criteria provided, single submitter. Criteria: ACMG Guidelines, 2015. Collection method: clinical testing. Allele origin: germline. Affected: yes.
Comment: This variant is classified as Pathogenic. Evidence in support of pathogenic classification: Variant is predicted to cause nonsense-mediated decay (NMD) and loss of protein (premature termination codon is located at least 54 nucleotides upstream of the final exon-exon junction); Variant is absent from gnomAD (v2, v3 and v4); This variant has moderate previous evidence of pathogenicity in unrelated individuals. This variant has been reported in the literature in individuals with DMD or from DMD/BMD cohorts and in an individual with absent dystrophin expression (PMIDs: 29604111, 16049303, 40189224, 30833962); Other NMD predicted variant(s) comparable to the one identified in this case have very strong previous evidence for pathogenicity (DECIPHER). Additional information: This variant is hemizygous; This gene is associated with X-linked disease; Loss of function is a known mechanism of disease in this gene and is associated with progressive muscular dystrophy (MONDO:0016106), DMD-related; Inheritance information for this variant is not currently available in this individual.

Literature cited by the submitters: PubMed 40189224; PubMed 16049303; PubMed 29604111; PubMed 30833962.

NM_004006.3(DMD):c.9072G>A (p.Trp3024Ter)

Gene: DMD (dystrophin; minus strand). Cytogenetic location: Xp21.2.
Variant type: single nucleotide variant.
Coding change: c.9072G>A on transcript NM_004006.3 (MANE Select); coding-DNA position 9072, G replaced by A.
Protein change: p.Trp3024Ter; replaces tryptophan 3024 with a stop codon.
Molecular consequence: nonsense.
Genome position (GRCh38, 1-based): chrX:31,444,493, C>T on the plus strand (G>A on the coding strand, the complement: DMD is on the minus strand). VCF-style: chrX-31444493-C-T. GRCh37 (hg19) VCF-style: chrX-31462610-C-T.
Other names: c.9048G>A, p.Trp3016Ter (NM_000109.4); c.9060G>A, p.Trp3020Ter (NM_004009.3); c.8703G>A, p.Trp2901Ter (NM_004010.3); c.5049G>A, p.Trp1683Ter (NM_004011.4); c.5040G>A, p.Trp1680Ter (NM_004012.4); c.1692G>A, p.Trp564Ter (NM_004013.3, NM_004020.4, NM_004021.3 and 2 more transcripts); c.885G>A, p.Trp295Ter (NM_004014.3); short protein forms W1680*, W1683*, W2901*, W295*, W3016*, W3020*, W3024*, W564*.
Identifiers: ClinVar variation 4532188 (VCV004532188.1), dbSNP rs2149075096.
Genomic context (GRCh38, chrX:31,444,493, plus strand): 5'-ATATTATTTTACTGTAACAAAGGACAACAATGTTTACAATGTGCTTACCTGCAGAAGCTT[C>T]CATCTGGTGTTCAGGTCTTCCAGAGTGCTGAGGTTATACGGTGAGAGCTGAATGCCCAAA-3'